The following is an entry in ClinVar:

NM_001384732.1(CPLANE1):c.3997C>T (p.Pro1333Ser)

Gene: CPLANE1 (ciliogenesis and planar polarity effector complex subunit 1; minus strand). Cytogenetic location: 5p13.2.
Variant type: single nucleotide variant.
Coding change: c.3997C>T on transcript NM_001384732.1 (MANE Select); coding-DNA position 3997, C replaced by T.
Protein change: p.Pro1333Ser; replaces proline 1333 with serine.
Molecular consequence: missense variant.
Genome position (GRCh38, 1-based): chr5:37,187,497, G>A on the plus strand (C>T on the coding strand, the complement: CPLANE1 is on the minus strand). VCF-style: chr5-37187497-G-A. GRCh37 (hg19) VCF-style: chr5-37187599-G-A.
Other names: c.3997C>T, p.Pro1333Ser (NM_023073.4); short protein forms P1333S.
Identifiers: ClinVar variation 2130253 (VCV002130253.2), dbSNP rs2547896047, ClinGen allele CA359505930.
Genomic context (GRCh38, chr5:37,187,497, plus strand): 5'-CAATAAGGCTCAAAATTATATCCTGAATAAGTTCTTCCATATTAAAAAACCGAGAGAAAG[G>A]CAGCATTCTATAAGCCCATTCCACTGCACTAAGACAGTGCTCAATCATACAAGAATCAAA-3'
Protein context (NP_001371661.1, residues 1323-1343): SAVEWAYRML[Pro1333Ser]FSRFFNMEEL

ClinVar aggregate classification (germline): Uncertain significance (1 of 4 stars; one submission).

Submission:

Labcorp Genetics (formerly Invitae), Labcorp
Classification: Uncertain significance. Last evaluated: 2022-05-10. Review status: criteria provided, single submitter. Criteria: Invitae Variant Classification Sherloc (09022015). Collection method: clinical testing. Allele origin: germline.
Comment: This sequence change replaces proline, which is neutral and non-polar, with serine, which is neutral and polar, at codon 1333 of the CPLANE1 protein (p.Pro1333Ser). This variant is not present in population databases (gnomAD no frequency). This variant has not been reported in the literature in individuals affected with CPLANE1-related conditions. Advanced modeling of protein sequence and biophysical properties (such as structural, functional, and spatial information, amino acid conservation, physicochemical variation, residue mobility, and thermodynamic stability) performed at Invitae indicates that this missense variant is expected to disrupt CPLANE1 protein function. In summary, the available evidence is currently insufficient to determine the role of this variant in disease. Therefore, it has been classified as a Variant of Uncertain Significance.